The following is an entry in ClinVar:

NM_000348.4(SRD5A2):c.578A>G (p.Asn193Ser)

Gene: SRD5A2 (steroid 5 alpha-reductase 2; minus strand). Cytogenetic location: 2p23.1.
Variant type: single nucleotide variant.
Coding change: c.578A>G on transcript NM_000348.4 (MANE Select); coding-DNA position 578, A replaced by G.
Protein change: p.Asn193Ser; replaces asparagine 193 with serine.
Molecular consequence: missense variant.
Genome position (GRCh38, 1-based): chr2:31,529,427, T>C on the plus strand (A>G on the coding strand, the complement: SRD5A2 is on the minus strand). VCF-style: chr2-31529427-T-C. GRCh37 (hg19) VCF-style: chr2-31754497-T-C.
Other names: short protein forms N193S.
Identifiers: ClinVar variation 459638 (VCV000459638.11), dbSNP rs763296857, ClinGen allele CA1599888.

ClinVar aggregate classification (germline): Pathogenic/Likely pathogenic. Review status: criteria provided, multiple submitters, no conflicts (2 of 4 stars). 5 submissions from 5 submitters: Pathogenic (4); Likely pathogenic (1). Last evaluated 2025-10-15.

Conditions:
3-Oxo-5 alpha-steroid delta 4-dehydrogenase deficiency (PPSH). Also called: MALE PSEUDOHERMAPHRODITISM DUE TO 5-ALPHA-REDUCTASE DEFICIENCY; PSEUDOVAGINAL PERINEOSCROTAL HYPOSPADIAS; FAMILIAL INCOMPLETE MALE PSEUDOHERMAPHRODITISM, TYPE 2; 46,XY disorder of sex development due to 5-alpha-reductase 2 deficiency. Identifiers: Orphanet 753, MedGen C0268297, MONDO:0009923, OMIM 264600. Disease mechanism: loss of function.

Allele frequency attached by ClinVar (database versions not stated): ExAC 0.00002; gnomAD exomes 0.00002; TOPMed 0.00002; gnomAD 0.00003.
gnomAD v4.1: 30 of 1,613,658 alleles (0.0019%); highest among the groups gnomAD compares: African/African-American, 0.0053%; no homozygotes.

Submissions (5):

Labcorp Genetics (formerly Invitae), Labcorp
Classification: Pathogenic for 3-Oxo-5 alpha-steroid delta 4-dehydrogenase deficiency. Last evaluated: 2025-10-15. Review status: criteria provided, single submitter. Criteria: Invitae Variant Classification Sherloc (09022015). Collection method: clinical testing. Allele origin: germline.
Comment: This sequence change replaces asparagine, which is neutral and polar, with serine, which is neutral and polar, at codon 193 of the SRD5A2 protein (p.Asn193Ser). This variant is present in population databases (rs763296857, gnomAD 0.003%). This missense change has been observed in individual(s) with ambiguous genitalia and 5 alpha-reductase deficiency (PMID: 20019388, 20736251, 20850730, 21631525, 23633205, 24665940). In at least one individual the data is consistent with being in trans (on the opposite chromosome) from a pathogenic variant. ClinVar contains an entry for this variant (Variation ID: 459638). Invitae Evidence Modeling of protein sequence and biophysical properties (such as structural, functional, and spatial information, amino acid conservation, physicochemical variation, residue mobility, and thermodynamic stability) has been performed for this missense variant. However, the output from this modeling did not meet the statistical confidence thresholds required to predict the impact of this variant on SRD5A2 protein function. Experimental studies have shown that this missense change affects SRD5A2 function (PMID: 8110760). For these reasons, this variant has been classified as Pathogenic.

Fulgent Genetics
Classification: Pathogenic for 3-Oxo-5 alpha-steroid delta 4-dehydrogenase deficiency. Last evaluated: 2024-05-23. Review status: criteria provided, single submitter. Criteria: ACMG Guidelines, 2015. Collection method: clinical testing. Allele origin: germline.

GeneDx
Classification: Pathogenic. Last evaluated: 2022-04-04. Review status: criteria provided, single submitter. Criteria: GeneDx Variant Classification Process June 2021. Collection method: clinical testing. Allele origin: germline. Affected: yes.
Comment: Published functional studies demonstrate a damaging effect on enzymatic function (Wigley et al., 1994); Missense variants in this gene are often considered pathogenic (HGMD); In silico analysis supports that this missense variant has a deleterious effect on protein structure/function; This variant is associated with the following publications: (PMID: 3441728, 8110760, 31613402, 32894851, 27899157, 7608269, 30695888, 31031332, 32596280, 20850730, 28544750, 34276780)

Clinical Molecular Genetics Laboratory, Johns Hopkins All Children's Hospital
Classification: Pathogenic for 3-Oxo-5 alpha-steroid delta 4-dehydrogenase deficiency. Last evaluated: 2017-10-31. Review status: criteria provided, single submitter. Criteria: ACMG Guidelines, 2015. Collection method: clinical testing. Allele origin: germline. Affected: yes.

Clinical Genetics and Genomics, Karolinska University Hospital
Classification: Likely pathogenic. Last evaluated: 2017-08-18. Review status: criteria provided, single submitter. Criteria: ACMG Guidelines, 2015. Collection method: clinical testing. Allele origin: germline. Affected: yes. Observed: 2 variant alleles.

Literature cited by the submitters: PubMed 20019388 (cited by Labcorp Genetics (formerly Invitae), Labcorp); PubMed 20736251 (cited by Labcorp Genetics (formerly Invitae), Labcorp); PubMed 20850730 (cited by Labcorp Genetics (formerly Invitae), Labcorp); PubMed 21631525 (cited by Labcorp Genetics (formerly Invitae), Labcorp); PubMed 23633205 (cited by Labcorp Genetics (formerly Invitae), Labcorp); PubMed 24665940 (cited by Labcorp Genetics (formerly Invitae), Labcorp); PubMed 8110760 (cited by Labcorp Genetics (formerly Invitae), Labcorp).